The following is an entry in ClinVar:

NM_000128.4(F11):c.990del (p.Phe330fs)

Gene: F11 (coagulation factor XI; plus strand). Cytogenetic location: 4q35.2.
Variant type: Deletion.
Coding change: c.990del on transcript NM_000128.4 (MANE Select); coding-DNA position 990, one base deleted (T; older notation c.990delT).
Protein change: p.Phe330fs; shifts the reading frame from phenylalanine 330.
Molecular consequence: frameshift variant.
Genome position (GRCh38, 1-based): chr4:186,280,347, T deleted; the last of 6 consecutive T bases (chr4:186,280,342-186,280,347); deleting any one gives the same sequence. VCF-style (leftmost placement, unchanged base first): chr4-186280341-GT-G. GRCh37 (hg19) VCF-style: chr4-187201495-GT-G.
Other names: c.990delT (NM_000128.3); short protein forms F330fs.
Identifiers: ClinVar variation 554920 (VCV000554920.3), dbSNP rs1554082938, ClinGen allele CA658821880.

ClinVar aggregate classification (germline): Likely pathogenic. Review status: criteria provided, single submitter (1 of 4 stars). 2 submissions from 2 submitters: Likely pathogenic (1). 1 of the submissions does not count toward it. Last evaluated 2025-05-16.

Conditions:
Hereditary factor XI deficiency disease. Also called: Congenital factor XI deficiency; PLASMA THROMBOPLASTIN ANTECEDENT DEFICIENCY; PTA DEFICIENCY; ROSENTHAL SYNDROME. Identifiers: Orphanet 329, MedGen C0015523, MeSH D005173, MONDO:0012897, OMIM 612416.
Plasma factor XI deficiency.

Submissions (2):

Natera, Inc.
Classification: Likely pathogenic for Plasma factor XI deficiency. Last evaluated: 2025-05-16. Review status: criteria provided, single submitter. Criteria: Natera Variant Classification Schema (03/2026). Collection method: clinical testing. Allele origin: germline.
Comment: The c.990delT variant in F11 is a frameshift variant predicted to shift the reading frame beginning at codon 330 and leads to a stop codon 19 codons downstream. This variant is expected to result in nonsense mediated decay, truncation, or a dysfunctional protein product. This variant is rare in the general population with a frequency below the threshold expected for the associated phenotype(s). Given the available evidence, this variant is classified as Likely Pathogenic.

Counsyl
Classification: Likely pathogenic for Hereditary factor XI deficiency disease. Last evaluated: 2017-11-08. Review status: no assertion criteria provided. Collection method: clinical testing. Allele origin: unknown. Not counted in ClinVar's aggregate classification.